The following is an entry in ClinVar:

NM_145660.2(APOL4):c.-3G>A

Gene: APOL4 (apolipoprotein L4; minus strand). Cytogenetic location: 22q12.3.
Variant type: single nucleotide variant.
Coding change: c.-3G>A on transcript NM_145660.2; 3 bases upstream of the start codon, G replaced by A.
Molecular consequence: 5 prime UTR variant.
Genome position (GRCh38, 1-based): chr22:36,202,039, C>T on the plus strand (G>A on the coding strand, the complement: APOL4 is on the minus strand). VCF-style: chr22-36202039-C-T. GRCh37 (hg19) VCF-style: chr22-36598085-C-T.
Other names: c.-201G>A (NM_030643.4, NM_145661.2).
Identifiers: ClinVar variation 4689293 (VCV004689293.1).

ClinVar aggregate classification (germline): Uncertain significance (1 of 4 stars; one submission).

gnomAD v4.1: 23 of 1,613,948 alleles (0.0014%); highest among the groups gnomAD compares: African/African-American, 0.0027%; no homozygotes.

Submission:

Women's Health and Genetics/Laboratory Corporation of America, LabCorp
Classification: Uncertain significance. Last evaluated: 2026-01-27. Review status: criteria provided, single submitter. Criteria: LabCorp Variant Classification Summary - May 2015. Collection method: clinical testing. Allele origin: germline.
Comment: Variant summary: APOL4 c.-3G>A is located in the untranslated mRNA region upstream of the initiation codon. The variant allele was found at a frequency of 3.2e-05 in 251458 control chromosomes. The available data on variant occurrences in the general population are insufficient to allow any conclusion about variant significance. To our knowledge, no occurrence of c.-3G>A in individuals affected with APOL4-related conditions and no experimental evidence demonstrating its impact on protein function have been reported. No submitters have cited clinical-significance assessments for this variant to ClinVar. Based on the evidence outlined above, the variant was classified as uncertain significance.